The following is an entry in ClinVar:

NM_004100.5(EYA4):c.1109G>T (p.Arg370Leu)

Gene: EYA4 (EYA transcriptional coactivator and phosphatase 4; plus strand). Cytogenetic location: 6q23.2.
Variant type: single nucleotide variant.
Coding change: c.1109G>T on transcript NM_004100.5 (MANE Select); coding-DNA position 1109, G replaced by T.
Protein change: p.Arg370Leu; replaces arginine 370 with leucine.
Molecular consequence: missense variant.
Genome position (GRCh38, 1-based): chr6:133,483,033, G>T. VCF-style: chr6-133483033-G-T. GRCh37 (hg19) VCF-style: chr6-133804171-G-T.
Other names: c.947G>T, p.Arg316Leu (NM_001301012.2); c.1127G>T, p.Arg376Leu (NM_001301013.2); c.1040G>T, p.Arg347Leu (NM_001370458.1, NM_172103.4); c.965G>T, p.Arg322Leu (NM_001370459.1); c.1109G>T, p.Arg370Leu (NM_172105.4); short protein forms R316L, R322L, R347L, R370L, R376L.
Identifiers: ClinVar variation 4711643 (VCV004711643.1).

ClinVar aggregate classification (germline): Uncertain significance (1 of 4 stars; one submission).

Conditions:
Dilated cardiomyopathy 1J (CMD1J). Also called: CARDIOMYOPATHY, DILATED, WITH SENSORINEURAL HEARING LOSS, AUTOSOMAL DOMINANT. Identifiers: Orphanet 217622, MedGen C1854368, MONDO:0011541, OMIM 605362.

gnomAD v4.1: 1 of 1,611,842 alleles (0.000062%); highest among the groups gnomAD compares: Non-Finnish European, 0.000085%; no homozygotes.

Submission:

Labcorp Genetics (formerly Invitae), Labcorp
Classification: Uncertain significance for Dilated cardiomyopathy 1J. Last evaluated: 2025-02-11. Review status: criteria provided, single submitter. Criteria: Invitae Variant Classification Sherloc (09022015). Collection method: clinical testing. Allele origin: germline.
Comment: This sequence change replaces arginine, which is basic and polar, with leucine, which is neutral and non-polar, at codon 370 of the EYA4 protein (p.Arg370Leu). This variant is not present in population databases (gnomAD no frequency). This variant has not been reported in the literature in individuals affected with EYA4-related conditions. An algorithm developed to predict the effect of missense changes on protein structure and function (PolyPhen-2) suggests that this variant is likely to be disruptive. In summary, the available evidence is currently insufficient to determine the role of this variant in disease. Therefore, it has been classified as a Variant of Uncertain Significance.